The following is an entry in ClinVar:

ClinVar aggregate classification (germline): Likely benign (1 of 4 stars; one submission).

gnomAD v4.1: 17 of 1,187,219 alleles (0.0014%); highest among the groups gnomAD compares: African/African-American, 0.0072%; no homozygotes.

Submission:

CeGaT Center for Human Genetics Tuebingen
Classification: Likely benign. Last evaluated: 2025-10-01. Review status: criteria provided, single submitter. Criteria: CeGaT Center For Human Genetics Tuebingen Variant Classification Criteria Version 2. Collection method: clinical testing. Allele origin: germline. Affected: yes. Observed: 1 variant allele.
Comment: SMARCA1: BP4, BS2

NM_001282874.2(SMARCA1):c.2559C>T (p.Leu853=)

Gene: SMARCA1 (SNF2 related chromatin remodeling ATPase 1; minus strand). Cytogenetic location: Xq25.
Variant type: single nucleotide variant.
Coding change: c.2559C>T on transcript NM_001282874.2 (MANE Select); coding-DNA position 2559, C replaced by T.
Protein change: p.Leu853=; no amino-acid change (leucine 853 retained).
Molecular consequence: synonymous variant.
Genome position (GRCh38, 1-based): chrX:129,471,210, G>A on the plus strand (C>T on the coding strand, the complement: SMARCA1 is on the minus strand). VCF-style: chrX-129471210-G-A. GRCh37 (hg19) VCF-style: chrX-128605187-G-A.
Other names: c.2523C>T, p.Leu841= (NM_001282875.2, NM_001378262.1, NM_001378263.1 and 1 more transcripts); c.2559C>T, p.Leu853= (NM_001378261.1, NM_003069.5).
Identifiers: ClinVar variation 4534350 (VCV004534350.6).